The following is an entry in ClinVar:

NM_001355436.2(SPTB):c.5650G>A (p.Ala1884Thr)

Gene: SPTB (spectrin beta, erythrocytic; minus strand). Cytogenetic location: 14q23.3.
Variant type: single nucleotide variant.
Coding change: c.5650G>A on transcript NM_001355436.2 (MANE Select); coding-DNA position 5650, G replaced by A.
Protein change: p.Ala1884Thr; replaces alanine 1884 with threonine.
Molecular consequence: missense variant.
Genome position (GRCh38, 1-based): chr14:64,771,033, C>T on the plus strand (G>A on the coding strand, the complement: SPTB is on the minus strand). VCF-style: chr14-64771033-C-T. GRCh37 (hg19) VCF-style: chr14-65237751-C-T.
Other names: c.5650G>A, p.Ala1884Thr (NM_001024858.4, NM_001355437.2); short protein forms A1884T.
Identifiers: ClinVar variation 1001219 (VCV001001219.10), dbSNP rs373473270, ClinGen allele CA7229904.

ClinVar aggregate classification (germline): Uncertain significance. Review status: criteria provided, multiple submitters, no conflicts (2 of 4 stars). 3 submissions from 3 submitters: Uncertain significance (3). Last evaluated 2024-08-01.

Allele frequency attached by ClinVar (database versions not stated): TOPMed 0.00003; ExAC 0.00008; ESP Exome Variant Server 0.00008.
gnomAD v4.1: 164 of 1,614,062 alleles (0.01%); highest among the groups gnomAD compares: Non-Finnish European, 0.012%; no homozygotes.

Submissions (3):

Revvity Omics, Revvity
Classification: Uncertain significance. Last evaluated: 2024-08-01. Review status: criteria provided, single submitter. Criteria: ACMG Guidelines, 2015. Collection method: clinical testing. Allele origin: germline.

Labcorp Genetics (formerly Invitae), Labcorp
Classification: Uncertain significance. Last evaluated: 2023-12-18. Review status: criteria provided, single submitter. Criteria: Invitae Variant Classification Sherloc (09022015). Collection method: clinical testing. Allele origin: germline.
Comment: This sequence change replaces alanine, which is neutral and non-polar, with threonine, which is neutral and polar, at codon 1884 of the SPTB protein (p.Ala1884Thr). This variant is present in population databases (rs373473270, gnomAD 0.01%). This variant has not been reported in the literature in individuals affected with SPTB-related conditions. ClinVar contains an entry for this variant (Variation ID: 1001219). An algorithm developed to predict the effect of missense changes on protein structure and function (PolyPhen-2) suggests that this variant is likely to be disruptive. In summary, the available evidence is currently insufficient to determine the role of this variant in disease. Therefore, it has been classified as a Variant of Uncertain Significance.

Breakthrough Genomics
Classification: Uncertain significance. Review status: criteria provided, single submitter. Criteria: ACMG Guidelines, 2015. Collection method: not provided. Allele origin: germline. Inheritance: Autosomal dominant inheritance. Affected: yes.